The following is an entry in ClinVar:

ClinVar aggregate classification (germline): Uncertain significance (1 of 4 stars; one submission).

Submission:

Labcorp Genetics (formerly Invitae), Labcorp
Classification: Uncertain significance. Last evaluated: 2024-12-03. Review status: criteria provided, single submitter. Criteria: Invitae Variant Classification Sherloc (09022015). Collection method: clinical testing. Allele origin: germline.
Comment: This sequence change replaces valine, which is neutral and non-polar, with methionine, which is neutral and non-polar, at codon 193 of the ZNF408 protein (p.Val193Met). This variant is not present in population databases (gnomAD no frequency). This variant has not been reported in the literature in individuals affected with ZNF408-related conditions. ClinVar contains an entry for this variant (Variation ID: 1374431). An algorithm developed to predict the effect of missense changes on protein structure and function outputs the following: PolyPhen-2: "Benign". The methionine amino acid residue is found in multiple mammalian species, which suggests that this missense change does not adversely affect protein function. In summary, the available evidence is currently insufficient to determine the role of this variant in disease. Therefore, it has been classified as a Variant of Uncertain Significance.

NM_024741.3(ZNF408):c.577G>A (p.Val193Met)

Gene: ZNF408 (zinc finger protein 408; plus strand). Cytogenetic location: 11p11.2.
Variant type: single nucleotide variant.
Coding change: c.577G>A on transcript NM_024741.3 (MANE Select); coding-DNA position 577, G replaced by A.
Protein change: p.Val193Met; replaces valine 193 with methionine.
Molecular consequence: missense variant.
Genome position (GRCh38, 1-based): chr11:46,703,168, G>A. VCF-style: chr11-46703168-G-A. GRCh37 (hg19) VCF-style: chr11-46724718-G-A.
Other names: c.553G>A, p.Val185Met (NM_001184751.2); short protein forms V185M, V193M.
Identifiers: ClinVar variation 1374431 (VCV001374431.6), dbSNP rs1383868514, ClinGen allele CA380252548.